The following is an entry in ClinVar:

ClinVar aggregate classification (germline): Uncertain significance. Review status: criteria provided, multiple submitters, no conflicts (2 of 4 stars). 2 submissions from 2 submitters: Uncertain significance (2). Last evaluated 2025-08-15.

Conditions:
Progressive microcephaly-seizures-cortical blindness-developmental delay syndrome. Also called: Seizures, cortical blindness, and microcephaly syndrome. Identifiers: Orphanet 477814, MedGen C5567650, MONDO:0014714, OMIM 616632.
Autosomal dominant nonsyndromic hearing loss 1. Also called: DEAFNESS, AUTOSOMAL DOMINANT 1, WITH OR WITHOUT THROMBOCYTOPENIA; KONIGSMARK SYNDROME. Identifiers: Orphanet 90635, MedGen C1852282, MONDO:0007424, OMIM 124900.

Allele frequency attached by ClinVar (database versions not stated): gnomAD exomes below 0.00001.
gnomAD v4.1: 1 of 1,614,160 alleles (0.000062%); highest among the groups gnomAD compares: Admixed American, 0.0017%; no homozygotes.

Submissions (2):

Labcorp Genetics (formerly Invitae), Labcorp
Classification: Uncertain significance for Progressive microcephaly-seizures-cortical blindness-developmental delay syndrome; Autosomal dominant nonsyndromic hearing loss 1. Last evaluated: 2025-08-15. Review status: criteria provided, single submitter. Criteria: Invitae Variant Classification Sherloc (09022015). Collection method: clinical testing. Allele origin: germline.
Comment: This sequence change replaces alanine, which is neutral and non-polar, with serine, which is neutral and polar, at codon 1271 of the DIAPH1 protein (p.Ala1271Ser). This variant is not present in population databases (gnomAD no frequency). This variant has not been reported in the literature in individuals affected with DIAPH1-related conditions. ClinVar contains an entry for this variant (Variation ID: 542357). An algorithm developed to predict the effect of missense changes on protein structure and function (PolyPhen-2) suggests that this variant is likely to be tolerated. In summary, the available evidence is currently insufficient to determine the role of this variant in disease. Therefore, it has been classified as a Variant of Uncertain Significance.

Blueprint Genetics
Classification: Uncertain significance. Last evaluated: 2023-12-04. Review status: criteria provided, single submitter. Criteria: ACMG Guidelines, 2015. Collection method: clinical testing. Allele origin: germline.

NM_005219.5(DIAPH1):c.3811G>T (p.Ala1271Ser)

Gene: DIAPH1 (diaphanous related formin 1; minus strand). Cytogenetic location: 5q31.3.
Variant type: single nucleotide variant.
Coding change: c.3811G>T on transcript NM_005219.5 (MANE Select); coding-DNA position 3811, G replaced by T.
Protein change: p.Ala1271Ser; replaces alanine 1271 with serine.
Molecular consequence: missense variant. On other transcripts: 3 prime UTR variant (1).
Genome position (GRCh38, 1-based): chr5:141,516,859, C>A on the plus strand (G>T on the coding strand, the complement: DIAPH1 is on the minus strand). VCF-style: chr5-141516859-C-A. GRCh37 (hg19) VCF-style: chr5-140896426-C-A.
Other names: c.3784G>T, p.Ala1262Ser (NM_001079812.3); c.*111G>T (NM_001314007.2); short protein forms A1271S, A1262S.
Identifiers: ClinVar variation 542357 (VCV000542357.11), dbSNP rs1167599945, ClinGen allele CA361571674.